The following is an entry in ClinVar:

NM_173630.4(RTTN):c.953G>A (p.Arg318His)

Gene: RTTN (rotatin; minus strand). Cytogenetic location: 18q22.2.
Variant type: single nucleotide variant.
Coding change: c.953G>A on transcript NM_173630.4 (MANE Select); coding-DNA position 953, G replaced by A.
Protein change: p.Arg318His; replaces arginine 318 with histidine.
Molecular consequence: missense variant. On other transcripts: 5 prime UTR variant (1).
Genome position (GRCh38, 1-based): chr18:70,193,342, C>T on the plus strand (G>A on the coding strand, the complement: RTTN is on the minus strand). VCF-style: chr18-70193342-C-T. GRCh37 (hg19) VCF-style: chr18-67860578-C-T.
Other names: c.-1601G>A (NM_001318520.2); short protein forms R318H.
Identifiers: ClinVar variation 4992013 (VCV004992013.1).

ClinVar aggregate classification (germline): Uncertain significance (1 of 4 stars; one submission).

Conditions:
RTTN-related disorder. Also called: RTTN-related condition.

gnomAD v4.1: 11 of 1,610,228 alleles (0.00068%); highest among the groups gnomAD compares: East Asian, 0.0022%; no homozygotes.

Submission:

PreventionGenetics, part of Exact Sciences
Classification: Uncertain significance for RTTN-related condition. Last evaluated: 2026-03-12. Review status: criteria provided, single submitter. Criteria: ACMG Guidelines, 2015. Collection method: clinical testing. Allele origin: germline.
Comment: The RTTN c.953G>A variant is predicted to result in the amino acid substitution p.Arg318His. To our knowledge, this variant has not been reported in the literature. This variant is reported in 0.0053% of alleles in individuals of East Asian descent in gnomAD. At this time, the clinical significance of this variant is uncertain due to the absence of conclusive functional and genetic evidence.